The following is an entry in ClinVar:

ClinVar aggregate classification (germline): Pathogenic (1 of 4 stars; one submission).

Conditions:
Hereditary breast ovarian cancer syndrome. Also called: Breast and ovarian cancer; BRCA1- and BRCA2-Associated Hereditary Breast and Ovarian Cancer; Hereditary breast and ovarian cancer; Hereditary breast and ovarian cancer syndrome (HBOC); Hereditary breast and/or ovarian cancer syndrome; Hereditary breast and ovarian cancer syndrome. Identifiers: Orphanet 145, MedGen C0677776, MeSH D061325, MONDO:0003582. Disease mechanism: loss of function.

Submission:

Labcorp Genetics (formerly Invitae), Labcorp
Classification: Pathogenic for Hereditary breast ovarian cancer syndrome. Last evaluated: 2024-08-01. Review status: criteria provided, single submitter. Criteria: Invitae Variant Classification Sherloc (09022015). Collection method: clinical testing. Allele origin: germline.
Comment: This sequence change creates a premature translational stop signal (p.Gln1395Alafs*8) in the BRCA1 gene. It is expected to result in an absent or disrupted protein product. Loss-of-function variants in BRCA1 are known to be pathogenic (PMID: 20104584). This variant is not present in population databases (gnomAD no frequency). This variant has not been reported in the literature in individuals affected with BRCA1-related conditions. ClinVar contains an entry for this variant (Variation ID: 855804). For these reasons, this variant has been classified as Pathogenic.

Literature cited by the submitters: PubMed 20104584.

NM_007294.4(BRCA1):c.4182_4183del (p.Gln1395fs)

Gene: BRCA1 (BRCA1 DNA repair associated; minus strand). Cytogenetic location: 17q21.31.
Variant type: Deletion.
Coding change: c.4182_4183del on transcript NM_007294.4 (MANE Select); coding-DNA positions 4182 to 4183, 2 bases deleted (TC; older notation c.4182_4183delTC).
Protein change: p.Gln1395fs; shifts the reading frame from glutamine 1395.
Molecular consequence: frameshift variant. On other transcripts: non-coding transcript variant (1).
Genome position (GRCh38, 1-based): chr17:43,090,946-43,090,947, GA deleted on the plus strand (TC on the coding strand, the reverse complement: BRCA1 is on the minus strand); deleting any 2 consecutive bases within chr17:43,090,946-43,090,948 gives the same sequence; the c. name uses the placement nearest the transcript's 3' end. VCF-style (leftmost placement, unchanged base first): chr17-43090945-TGA-T. GRCh37 (hg19) VCF-style: chr17-41242962-TGA-T.
Other names: c.4055_4056delCT, p.Gln1353Alafs (NM_001407673.1, NM_001407688.1, NM_001407689.1 and 6 more transcripts); c.4058_4059delCT, p.Gln1354Glufs (NM_001407674.1, NM_001407675.1, NM_001407681.1 and 3 more transcripts); c.4055_4056delCT, p.Gln1353Glufs (NM_001407687.1, NM_001407690.1, NM_001407685.1 and 2 more transcripts); c.4181_4182delCT, p.Gln1395Alafs (NM_001407684.1, NM_001407581.1, NM_001407582.1 and 23 more transcripts); c.4040_4041delCT, p.Gln1348Alafs (NM_001407692.1, NM_001407694.1, NM_001407695.1 and 22 more transcripts); c.4058_4059delCT, p.Gln1354Alafs (NM_001407677.1, NM_001407678.1, NM_001407679.1 and 13 more transcripts); c.3968_3969delCT, p.Gln1324Alafs (NM_001407571.1, NM_001407853.1, NM_001407894.1 and 8 more transcripts); c.4178_4179delCT, p.Gln1394Alafs (NM_001407587.1, NM_001407590.1, NM_001407591.1 and 14 more transcripts); and 67 more; short protein forms Q292fs, Q1348fs, Q1395fs.
Identifiers: ClinVar variation 855804 (VCV000855804.9), dbSNP rs80357742, ClinGen allele CA916080158.
Genomic context (GRCh38, chr17:43,090,945, plus strand): 5'-ACTACTGAATGCAAAGGACACCACACACACGCATGTGCACACACACACACGCTTTTTACC[TGA>T]GTGGTTAAAATGTCACTCTGAGAGGATAGCCCTGAGCAGTCTTCAGAGACGCTTGTTTCA-3'